The following is an entry in ClinVar:

ClinVar aggregate classification (germline): Uncertain significance. Review status: criteria provided, multiple submitters, no conflicts (2 of 4 stars). 2 submissions from 2 submitters: Uncertain significance (2). Last evaluated 2022-08-08.

Conditions:
Inborn genetic diseases. Identifiers: MedGen C0950123, MeSH D030342.

Allele frequency attached by ClinVar (database versions not stated): gnomAD exomes 0.00002 and 0.00005; gnomAD 0.00006 and 0.00008; TOPMed 0.00008; ExAC 0.00015.
gnomAD v4.1: 38 of 1,588,656 alleles (0.0024%); highest among the groups gnomAD compares: African/African-American, 0.011%; no homozygotes.

Submissions (2):

Labcorp Genetics (formerly Invitae), Labcorp
Classification: Uncertain significance. Last evaluated: 2022-08-08. Review status: criteria provided, single submitter. Criteria: Invitae Variant Classification Sherloc (09022015). Collection method: clinical testing. Allele origin: germline.
Comment: This sequence change replaces proline, which is neutral and non-polar, with leucine, which is neutral and non-polar, at codon 15 of the SLC46A1 protein (p.Pro15Leu). This variant is present in population databases (rs782719362, gnomAD 0.02%), including at least one homozygous and/or hemizygous individual. This variant has not been reported in the literature in individuals affected with SLC46A1-related conditions. ClinVar contains an entry for this variant (Variation ID: 1509793). Experimental studies and prediction algorithms are not available or were not evaluated, and the functional significance of this variant is currently unknown. In summary, the available evidence is currently insufficient to determine the role of this variant in disease. Therefore, it has been classified as a Variant of Uncertain Significance.

Ambry Genetics
Classification: Uncertain significance for Inborn genetic diseases. Last evaluated: 2021-07-20. Review status: criteria provided, single submitter. Criteria: Ambry Variant Classification Scheme 2023. Collection method: clinical testing. Allele origin: germline.

NM_080669.6(SLC46A1):c.44C>T (p.Pro15Leu)

Genes: SLC46A1 (solute carrier family 46 member 1; minus strand), LOC130060550 (ATAC-STARR-seq lymphoblastoid silent region 8340; plus strand). Cytogenetic location: 17q11.2.
Variant type: single nucleotide variant.
Coding change: c.44C>T on transcript NM_080669.6 (MANE Select); coding-DNA position 44, C replaced by T.
Protein change: p.Pro15Leu; replaces proline 15 with leucine.
Molecular consequence: missense variant.
Genome position (GRCh38, 1-based): chr17:28,406,071, G>A on the plus strand (C>T on the coding strand, the complement: SLC46A1 is on the minus strand). VCF-style: chr17-28406071-G-A. GRCh37 (hg19) VCF-style: chr17-26733089-G-A.
Other names: c.44C>T, p.Pro15Leu (NM_001242366.3); c.44C>T (NM_080669.4); short protein forms P15L.
Identifiers: ClinVar variation 1509793 (VCV001509793.4), dbSNP rs782719362, ClinGen allele CA8458410.